The following is an entry in ClinVar:

ClinVar aggregate classification (germline): Uncertain significance (1 of 4 stars; one submission).

Submission:

GeneDx
Classification: Uncertain significance. Last evaluated: 2023-06-26. Review status: criteria provided, single submitter. Criteria: GeneDx Variant Classification Process June 2021. Collection method: clinical testing. Allele origin: germline. Affected: yes.
Comment: Not observed at significant frequency in large population cohorts (gnomAD); In silico analysis supports that this missense variant does not alter protein structure/function; Has not been previously published as pathogenic or benign to our knowledge

NM_001385012.1(NBEA):c.5437G>C (p.Ala1813Pro)

Gene: NBEA (neurobeachin; plus strand). Cytogenetic location: 13q13.3.
Variant type: single nucleotide variant.
Coding change: c.5437G>C on transcript NM_001385012.1 (MANE Select); coding-DNA position 5437, G replaced by C.
Protein change: p.Ala1813Pro; replaces alanine 1813 with proline.
Molecular consequence: missense variant.
Genome position (GRCh38, 1-based): chr13:35,208,770, G>C. VCF-style: chr13-35208770-G-C. GRCh37 (hg19) VCF-style: chr13-35782907-G-C.
Other names: c.5428G>C, p.Ala1810Pro (NM_001379245.1); c.5437G>C, p.Ala1813Pro (NM_015678.5); short protein forms A1810P, A1813P.
Identifiers: ClinVar variation 1320394 (VCV001320394.3), dbSNP rs2152750880, ClinGen allele CA387835960.